The following is an entry in ClinVar:

ClinVar aggregate classification (germline): not provided (0 of 4 stars; one submission).

Conditions:
Familial long QT syndrome (RWS). Also called: Congenital long QT syndrome; Romano-Ward syndrome; VENTRICULAR FIBRILLATION WITH PROLONGED QT INTERVAL. Identifiers: Orphanet 768, MedGen C1141890, MONDO:0019171.

Submission:

Cardiovascular Biomedical Research Unit, Royal Brompton & Harefield NHS Foundation Trust
No classification provided. Condition: Familial long QT syndrome. Review status: no classification provided. Collection method: literature only. Allele origin: germline.
Comment: This variant has been reported as associated with Long QT syndrome in the following publications (PMID:16414944;PMID:19841300). This is a literature report, and does not necessarily reflect the clinical interpretation of the Imperial College / Royal Brompton Cardiovascular Genetics laboratory.

Literature cited by the submitters: PubMed 16414944; PubMed 19841300; PubMed 22581653.

NM_000238.4(KCNH2):c.1501G>C (p.Asp501His)

Gene: KCNH2 (potassium voltage-gated channel subfamily H member 2; minus strand). Cytogenetic location: 7q36.1.
Variant type: single nucleotide variant.
Coding change: c.1501G>C on transcript NM_000238.4 (MANE Select); coding-DNA position 1501, G replaced by C.
Protein change: p.Asp501His; replaces aspartic acid 501 with histidine.
Molecular consequence: missense variant.
Genome position (GRCh38, 1-based): chr7:150,952,481, C>G on the plus strand (G>C on the coding strand, the complement: KCNH2 is on the minus strand). VCF-style: chr7-150952481-C-G. GRCh37 (hg19) VCF-style: chr7-150649569-C-G.
Other names: c.1501G>C (LRG_288t1); c.481G>C, p.Asp161His (NM_001204798.2, NM_172057.3); c.1213G>C, p.Asp405His (NM_001406753.1, NM_001406756.1); c.1324G>C, p.Asp442His (NM_001406755.1); c.1201G>C, p.Asp401His (NM_001406757.1); c.1501G>C, p.Asp501His (NM_172056.3); short protein forms D161H, D501H, D405H, D442H, D401H.
Identifiers: ClinVar variation 67209 (VCV000067209.3), dbSNP rs199472912, ClinGen allele CA004734.